The following is an entry in ClinVar:

NM_001287491.2(TET3):c.1719A>G (p.Arg573=)

Gene: TET3 (tet methylcytosine dioxygenase 3; plus strand). Cytogenetic location: 2p13.1.
Variant type: single nucleotide variant.
Coding change: c.1719A>G on transcript NM_001287491.2 (MANE Select); coding-DNA position 1719, A replaced by G.
Protein change: p.Arg573=; no amino-acid change (arginine 573 retained).
Molecular consequence: synonymous variant.
Genome position (GRCh38, 1-based): chr2:74,047,636, A>G. VCF-style: chr2-74047636-A-G. GRCh37 (hg19) VCF-style: chr2-74274763-A-G.
Other names: c.1440A>G, p.Arg480= (NM_001366022.1); c.1314A>G, p.Arg438= (NM_144993.1).
Identifiers: ClinVar variation 2651041 (VCV002651041.24), dbSNP rs1205025964, ClinGen allele CA427027573.

ClinVar aggregate classification (germline): Likely benign (1 of 4 stars; one submission).

gnomAD v4.1: 7 of 1,613,594 alleles (0.00043%); highest among the groups gnomAD compares: Non-Finnish European, 0.00059%; no homozygotes.

Submission:

CeGaT Center for Human Genetics Tuebingen
Classification: Likely benign. Last evaluated: 2022-05-01. Review status: criteria provided, single submitter. Criteria: CeGaT Center For Human Genetics Tuebingen Variant Classification Criteria Version 2. Collection method: clinical testing. Allele origin: germline. Affected: yes. Observed: 1 variant allele.
Comment: TET3: PM2:Supporting, BP4, BP7